The following is an entry in ClinVar:

NM_020778.5(ALPK3):c.2466G>T (p.Gln822His)

Gene: ALPK3 (alpha kinase 3; plus strand). Cytogenetic location: 15q25.3.
Variant type: single nucleotide variant.
Coding change: c.2466G>T on transcript NM_020778.5 (MANE Select); coding-DNA position 2466, G replaced by T.
Protein change: p.Gln822His; replaces glutamine 822 with histidine.
Molecular consequence: missense variant.
Genome position (GRCh38, 1-based): chr15:84,857,204, G>T. VCF-style: chr15-84857204-G-T. GRCh37 (hg19) VCF-style: chr15-85400435-G-T.
Other names: short protein forms Q822H.
Identifiers: ClinVar variation 1345079 (VCV001345079.6), dbSNP rs1963874697, ClinGen allele CA393357248.

ClinVar aggregate classification (germline): Uncertain significance (1 of 4 stars; one submission).

Allele frequency attached by ClinVar (database versions not stated): gnomAD exomes below 0.00001; TOPMed below 0.00001.
gnomAD v4.1: 2 of 1,614,076 alleles (0.00012%); highest among the groups gnomAD compares: Non-Finnish European, 0.00017%; no homozygotes.

Submission:

Labcorp Genetics (formerly Invitae), Labcorp
Classification: Uncertain significance. Last evaluated: 2025-08-06. Review status: criteria provided, single submitter. Criteria: Invitae Variant Classification Sherloc (09022015). Collection method: clinical testing. Allele origin: germline.
Comment: This sequence change replaces glutamine, which is neutral and polar, with histidine, which is basic and polar, at codon 1024 of the ALPK3 protein (p.Gln1024His). This variant is not present in population databases (gnomAD no frequency). This variant has not been reported in the literature in individuals affected with ALPK3-related conditions. ClinVar contains an entry for this variant (Variation ID: 1345079). Invitae Evidence Modeling of protein sequence and biophysical properties (such as structural, functional, and spatial information, amino acid conservation, physicochemical variation, residue mobility, and thermodynamic stability) indicates that this missense variant is not expected to disrupt ALPK3 protein function with a negative predictive value of 80%. In summary, the available evidence is currently insufficient to determine the role of this variant in disease. Therefore, it has been classified as a Variant of Uncertain Significance.